The following is an entry in ClinVar:

ClinVar aggregate classification (germline): Uncertain significance (3 of 4 stars; one submission).

Conditions:
Glanzmann thrombasthenia. Also called: BLEEDING DISORDER, PLATELET-TYPE, 2; THROMBASTHENIA OF GLANZMANN AND NAEGELI; PLATELET GLYCOPROTEIN IIb-IIIa DEFICIENCY; Thrombasthenia; Glanzmann's thrombasthenia. Identifiers: Orphanet 849, MedGen C0040015, MONDO:0100326.

Submission:

ClinGen Platelet Disorders Variant Curation Expert Panel, ClinGen
Classification: Uncertain significance for Glanzmann thrombasthenia. Last evaluated: 2025-05-01. Review status: reviewed by expert panel. Criteria: ClinGen Platelet ACMG Specifications v2-1. Collection method: curation. Allele origin: germline. Inheritance: Autosomal recessive inheritance.
Comment: The NM_000419.5(ITGA2B):c.2991del (p.Trp998GlyfsTer?) variant causes a frameshift and subsequent stop loss, resulting in alteration of the remaining 42 amino acids followed by the addition of 90 amino acids to the ITGA2B protein. This alters the transmembrane domain of the protein which is considered a critical region for protein function by the Platelet Disorders VCEP (PVS1_strong). This variant is absent from gnomAD v4.1 (PM2_Supporting). The variant has been observed once in the homozygous state but no clinical information is available. In summary, this variant is classified as uncertain significance for autosomal recessive Glanzmann thrombasthenia. GT-specific criteria applied: PVS1_Strong, PM2_Supporting.

NM_000419.5(ITGA2B):c.2991del (p.Trp998fs)

Gene: ITGA2B (integrin subunit alpha 2b; minus strand). Cytogenetic location: 17q21.31.
Variant type: Deletion.
Coding change: c.2991del on transcript NM_000419.5 (MANE Select); coding-DNA position 2991, one base deleted (C; older notation c.2991delC).
Protein change: p.Trp998fs; shifts the reading frame from tryptophan 998.
Molecular consequence: frameshift variant.
Genome position (GRCh38, 1-based): chr17:44,374,423, G deleted on the plus strand (C on the coding strand, the reverse complement: ITGA2B is on the minus strand). VCF-style (leftmost placement, unchanged base first): chr17-44374422-AG-A. GRCh37 (hg19) VCF-style: chr17-42451790-AG-A.
Other names: NM_000419.5:c.2991del; short protein forms W998fs.
Identifiers: ClinVar variation 4088265 (VCV004088265.1).